The following is an entry in ClinVar:

NM_201378.4(PLEC):c.71-915C>T

Genes: PLEC (plectin; minus strand), LOC130001339 (ATAC-STARR-seq lymphoblastoid silent region 19631; plus strand). Cytogenetic location: 8q24.3.
Variant type: single nucleotide variant.
Coding change: c.71-915C>T on transcript NM_201378.4 (MANE Plus Clinical); 915 bases into the intron before coding-DNA position 71, C replaced by T.
Molecular consequence: intron variant.
Genome position (GRCh38, 1-based): chr8:143,939,607, G>A on the plus strand (C>T on the coding strand, the complement: PLEC is on the minus strand). VCF-style: chr8-143939607-G-A. GRCh37 (hg19) VCF-style: chr8-145013775-G-A.
Other names: c.194-915C>T (NM_001410941.1, NM_000445.5); c.47-915C>T (NM_201379.3); c.524-915C>T (NM_201380.4); c.17-915C>T (NM_201381.3); c.113-915C>T (NM_201382.4); c.125-915C>T (NM_201383.3).
Identifiers: ClinVar variation 667878 (VCV000667878.4), dbSNP rs11784619, ClinGen allele CA12945720.

ClinVar aggregate classification (germline): Benign. Review status: criteria provided, multiple submitters, no conflicts (2 of 4 stars). 2 submissions from 2 submitters: Benign (2). Last evaluated 2018-06-16.

Allele frequency attached by ClinVar (database versions not stated): 1000 Genomes Project 0.01558; gnomAD 0.03602 and 0.03729; TOPMed 0.03349; 1000 Genomes Project 30x 0.01577.

Submissions (2):

GeneDx
Classification: Benign. Last evaluated: 2018-06-16. Review status: criteria provided, single submitter. Criteria: GeneDx Variant Classification (06012015). Collection method: clinical testing. Allele origin: germline. Affected: yes.
Comment: This variant is considered likely benign or benign based on one or more of the following criteria: it is a conservative change, it occurs at a poorly conserved position in the protein, it is predicted to be benign by multiple in silico algorithms, and/or has population frequency not consistent with disease.

Breakthrough Genomics
Classification: Benign. Review status: criteria provided, single submitter. Criteria: ACMG Guidelines, 2015. Collection method: not provided. Allele origin: germline. Inheritance: Autosomal recessive inheritance. Affected: yes.